The following is an entry in ClinVar:

ClinVar aggregate classification (germline): Likely benign. Review status: criteria provided, single submitter (1 of 4 stars). 2 submissions from 2 submitters: Likely benign (1). 1 of the submissions does not count toward it. Last evaluated 2026-01-26.

Conditions:
Mitochondrial trifunctional protein deficiency. Identifiers: Orphanet 746, MedGen C1969443, MONDO:0012172.
HADHB-related disorder. Also called: HADHB-related condition.

Allele frequency attached by ClinVar (database versions not stated): TOPMed 0.00002; gnomAD 0.00017; gnomAD exomes 0.00031 and 0.00059; ExAC 0.00071; 1000 Genomes Project 0.00120; 1000 Genomes Project 30x 0.00125.
gnomAD v4.1: 434 of 1,457,712 alleles (0.03%); highest among the groups gnomAD compares: South Asian, 0.47%; 5 homozygotes.

Submissions (2):

Labcorp Genetics (formerly Invitae), Labcorp
Classification: Likely benign for Mitochondrial trifunctional protein deficiency. Last evaluated: 2026-01-26. Review status: criteria provided, single submitter. Criteria: Invitae Variant Classification Sherloc (09022015). Collection method: clinical testing. Allele origin: germline.

PreventionGenetics, part of Exact Sciences
Classification: Likely benign for HADHB-related condition. Last evaluated: 2019-09-09. Review status: no assertion criteria provided. Collection method: clinical testing. Allele origin: germline. Not counted in ClinVar's aggregate classification.
Comment: This variant is classified as likely benign based on ACMG/AMP sequence variant interpretation guidelines (Richards et al. 2015 PMID: 25741868, with internal and published modifications).

NM_000183.3(HADHB):c.1224+5G>A

Gene: HADHB (hydroxyacyl-CoA dehydrogenase trifunctional multienzyme complex subunit beta; plus strand). Cytogenetic location: 2p23.3.
Variant type: single nucleotide variant.
Coding change: c.1224+5G>A on transcript NM_000183.3 (MANE Select); 5 bases into the intron after coding-DNA position 1224, G replaced by A.
Molecular consequence: intron variant.
Genome position (GRCh38, 1-based): chr2:26,284,962, G>A. VCF-style: chr2-26284962-G-A. GRCh37 (hg19) VCF-style: chr2-26507830-G-A.
Other names: c.1158+5G>A (NM_001281513.2); c.1179+5G>A (NM_001281512.2); c.1224+5G>A (NM_000183.2).
Identifiers: ClinVar variation 1092026 (VCV001092026.11), dbSNP rs559277360, ClinGen allele CA1560486.